The following is an entry in ClinVar:

NM_001039591.3(USP9X):c.128C>G (p.Ser43Cys)

Gene: USP9X (ubiquitin specific peptidase 9 X-linked; plus strand). Cytogenetic location: Xp11.4.
Variant type: single nucleotide variant.
Coding change: c.128C>G on transcript NM_001039591.3 (MANE Select); coding-DNA position 128, C replaced by G.
Protein change: p.Ser43Cys; replaces serine 43 with cysteine.
Molecular consequence: missense variant.
Genome position (GRCh38, 1-based): chrX:41,129,031, C>G. VCF-style: chrX-41129031-C-G. GRCh37 (hg19) VCF-style: chrX-40988284-C-G.
Other names: c.128C>G, p.Ser43Cys (NM_001039590.3, NM_001410748.1, NM_001410749.1 and 1 more transcripts); short protein forms S43C.
Identifiers: ClinVar variation 4996552 (VCV004996552.1).

ClinVar aggregate classification (germline): Uncertain significance (1 of 4 stars; one submission).

Conditions:
USP9X-related disorder. Also called: USP9X-related condition.

Submission:

PreventionGenetics, part of Exact Sciences
Classification: Uncertain significance for USP9X-related condition. Last evaluated: 2026-08-24. Review status: criteria provided, single submitter. Criteria: ACMG Guidelines, 2015. Collection method: clinical testing. Allele origin: germline.
Comment: The USP9X c.128C>G variant is predicted to result in the amino acid substitution p.Ser43Cys. To our knowledge, this variant has not been reported in the literature or in a large population database (gnomAD), indicating this variant is rare. At this time, the clinical significance of this variant is uncertain due to the absence of conclusive functional and genetic evidence.